The following is an entry in ClinVar:

ClinVar aggregate classification (germline): Pathogenic (1 of 4 stars; one submission).

Conditions:
Neuronal ceroid lipofuscinosis. Also called: Neuronal Ceroid Lipofuscinoses. Identifiers: Orphanet 216, Orphanet 79263, MedGen C0027877, MONDO:0016295. Disease mechanism: loss of function.

Submission:

Labcorp Genetics (formerly Invitae), Labcorp
Classification: Pathogenic for Neuronal ceroid lipofuscinosis. Last evaluated: 2023-11-08. Review status: criteria provided, single submitter. Criteria: Invitae Variant Classification Sherloc (09022015). Collection method: clinical testing. Allele origin: germline.
Comment: This sequence change creates a premature translational stop signal (p.Tyr114*) in the CLN6 gene. It is expected to result in an absent or disrupted protein product. Loss-of-function variants in CLN6 are known to be pathogenic (PMID: 19135028). This variant is not present in population databases (gnomAD no frequency). This variant has not been reported in the literature in individuals affected with CLN6-related conditions. Algorithms developed to predict the effect of sequence changes on RNA splicing suggest that this variant may disrupt the consensus splice site. For these reasons, this variant has been classified as Pathogenic.

Literature cited by the submitters: PubMed 19135028.

NM_017882.3(CLN6):c.342C>A (p.Tyr114Ter)

Gene: CLN6 (CLN6 transmembrane ER protein; minus strand). Cytogenetic location: 15q23.
Variant type: single nucleotide variant.
Coding change: c.342C>A on transcript NM_017882.3 (MANE Select); coding-DNA position 342, C replaced by A.
Protein change: p.Tyr114Ter; replaces tyrosine 114 with a stop codon.
Molecular consequence: nonsense.
Genome position (GRCh38, 1-based): chr15:68,211,819, G>T on the plus strand (C>A on the coding strand, the complement: CLN6 is on the minus strand). VCF-style: chr15-68211819-G-T. GRCh37 (hg19) VCF-style: chr15-68504157-G-T.
Other names: c.438C>A, p.Tyr146Ter (NM_001411068.1); short protein forms Y114*, Y146*.
Identifiers: ClinVar variation 2694325 (VCV002694325.3), dbSNP rs765719755, ClinGen allele CA392973612.